The following is an entry in ClinVar:

NM_152743.4(BRAT1):c.1463C>T (p.Ser488Phe)

Gene: BRAT1 (BRCA1 associated ATM activator 1; minus strand). Cytogenetic location: 7p22.3.
Variant type: single nucleotide variant.
Coding change: c.1463C>T on transcript NM_152743.4 (MANE Select); coding-DNA position 1463, C replaced by T.
Protein change: p.Ser488Phe; replaces serine 488 with phenylalanine.
Molecular consequence: missense variant. On other transcripts: non-coding transcript variant (1).
Genome position (GRCh38, 1-based): chr7:2,539,821, G>A on the plus strand (C>T on the coding strand, the complement: BRAT1 is on the minus strand). VCF-style: chr7-2539821-G-A. GRCh37 (hg19) VCF-style: chr7-2579455-G-A.
Other names: c.1463C>T, p.Ser488Phe (NM_001350626.2); c.938C>T, p.Ser313Phe (NM_001350627.2); short protein forms S488F, S313F.
Identifiers: ClinVar variation 2196502 (VCV002196502.2), dbSNP rs752652217, ClinGen allele CA4127740.

ClinVar aggregate classification (germline): Uncertain significance (1 of 4 stars; one submission).

Conditions:
Neonatal-onset encephalopathy with rigidity and seizures. Also called: Lethal neonatal spasticity-epileptic encephalopathy syndrome. Identifiers: Orphanet 435845, MedGen C3281029, MONDO:0013784, OMIM 614498.

Allele frequency attached by ClinVar (database versions not stated): gnomAD exomes below 0.00001; ExAC 0.00001; TOPMed 0.00001; gnomAD 0.00002.

Submission:

Labcorp Genetics (formerly Invitae), Labcorp
Classification: Uncertain significance for Neonatal-onset encephalopathy with rigidity and seizures. Last evaluated: 2022-10-03. Review status: criteria provided, single submitter. Criteria: Invitae Variant Classification Sherloc (09022015). Collection method: clinical testing. Allele origin: germline.
Comment: In summary, the available evidence is currently insufficient to determine the role of this variant in disease. Therefore, it has been classified as a Variant of Uncertain Significance. Advanced modeling of protein sequence and biophysical properties (such as structural, functional, and spatial information, amino acid conservation, physicochemical variation, residue mobility, and thermodynamic stability) performed at Invitae indicates that this missense variant is not expected to disrupt BRAT1 protein function. This variant has not been reported in the literature in individuals affected with BRAT1-related conditions. This variant is present in population databases (rs752652217, gnomAD 0.005%). This sequence change replaces serine, which is neutral and polar, with phenylalanine, which is neutral and non-polar, at codon 488 of the BRAT1 protein (p.Ser488Phe).